The following is an entry in ClinVar:

ClinVar aggregate classification (germline): Conflicting classifications of pathogenicity. Review status: criteria provided, conflicting classifications (1 of 4 stars). 2 submissions from 2 submitters: Uncertain significance (1); Likely benign (1). Last evaluated 2024-11-20.

Conditions:
FMN2-related disorder. Also called: FMN2-related condition.

Submissions (2):

Blueprint Genetics
Classification: Uncertain significance. Last evaluated: 2024-11-20. Review status: criteria provided, single submitter. Criteria: ACMG Guidelines, 2015. Collection method: clinical testing. Allele origin: germline.

PreventionGenetics, part of Exact Sciences
Classification: Likely benign for FMN2-related condition. Last evaluated: 2019-06-12. Review status: criteria provided, single submitter. Criteria: ACMG Guidelines, 2015. Collection method: clinical testing. Allele origin: germline.
Comment: This variant is classified as likely benign based on ACMG/AMP sequence variant interpretation guidelines (Richards et al. 2015 PMID: 25741868, with internal and published modifications).

NM_020066.5(FMN2):c.2829_2861del (p.Ala952_Ala962del)

Gene: FMN2 (formin 2; plus strand). Cytogenetic location: 1q43.
Variant type: Deletion.
Coding change: c.2829_2861del on transcript NM_020066.5 (MANE Select); coding-DNA positions 2829 to 2861, 33 bases deleted.
Protein change: p.Ala952_Ala962del.
Molecular consequence: intron variant (on NM_001348094.2).
Genome position (GRCh38, 1-based): chr1:240,207,641-240,207,673, 33 bases deleted; deleting any 33 consecutive bases within chr1:240,207,635-240,207,673 gives the same sequence; the c. name uses the placement nearest the transcript's 3' end. GRCh37 (hg19): chr1:240,370,941-240,370,973.
Other names: c.2841_2873del, p.Ala956_Ala966del (NM_001305424.2); c.1986+19379_1986+19411del (NM_001348094.2).
Identifiers: ClinVar variation 3033683 (VCV003033683.2), dbSNP rs763488537, ClinGen allele CA1476777.